The following is an entry in ClinVar:

NM_000146.4(FTL):c.-182C>T

Gene: FTL (ferritin light chain; plus strand). Cytogenetic location: 19q13.33.
Variant type: single nucleotide variant.
Coding change: c.-182C>T on transcript NM_000146.4 (MANE Select); 182 bases upstream of the start codon, C replaced by T.
Molecular consequence: 5 prime UTR variant.
Genome position (GRCh38, 1-based): chr19:48,965,326, C>T. VCF-style: chr19-48965326-C-T. GRCh37 (hg19) VCF-style: chr19-49468583-C-T.
Identifiers: ClinVar variation 487347 (VCV000487347.3), dbSNP rs886037622, ClinGen allele CA10575529.

ClinVar aggregate classification (germline): Uncertain significance. Review status: criteria provided, multiple submitters, no conflicts (2 of 4 stars). 2 submissions from 2 submitters: Uncertain significance (2). Last evaluated 2025-04-01.

Conditions:
Neuroferritinopathy (NBIA3). Also called: NEURODEGENERATION WITH BRAIN IRON ACCUMULATION 3; BASAL GANGLIA DISEASE, ADULT-ONSET. Identifiers: Orphanet 157846, MedGen C1853578, MONDO:0011638, OMIM 606159.
Hereditary hyperferritinemia with congenital cataracts. Also called: HYPERFERRITINEMIA WITH OR WITHOUT CATARACT; Hereditary hyperferritinemia cataract syndrome; Bonneau-Beaumont syndrome. Identifiers: Orphanet 163, MedGen C1833213, MONDO:0010952, OMIM 600886.

Allele frequency attached by ClinVar (database versions not stated): gnomAD exomes below 0.00001; gnomAD 0.00001; TOPMed 0.00001.

Submissions (2):

Labcorp Genetics (formerly Invitae), Labcorp
Classification: Uncertain significance for Neuroferritinopathy; Hereditary hyperferritinemia with congenital cataracts. Last evaluated: 2025-04-01. Review status: criteria provided, single submitter. Criteria: Invitae Variant Classification Sherloc (09022015). Collection method: clinical testing. Allele origin: germline.
Comment: This variant occurs in a non-coding region of the FTL gene. It does not change the encoded amino acid sequence of the FTL protein. This variant is not present in population databases (gnomAD no frequency). This variant has been observed in individual(s) with clinical features of hereditary hyperferritinemia cataract syndrome (PMID: 11167783, 16395671). This variant is also known as 18C>T. ClinVar contains an entry for this variant (Variation ID: 487347). Experimental studies and prediction algorithms are not available or were not evaluated, and the functional significance of this variant is currently unknown. In summary, the available evidence is currently insufficient to determine the role of this variant in disease. Therefore, it has been classified as a Variant of Uncertain Significance.

Women's Health and Genetics/Laboratory Corporation of America, LabCorp
Classification: Uncertain significance. Last evaluated: 2023-11-21. Review status: criteria provided, single submitter. Criteria: LabCorp Variant Classification Summary - May 2015. Collection method: clinical testing. Allele origin: germline.
Comment: Variant summary: FTL c.-182C>T disrupts a non-conserved nucleotide and is located in the untranslated mRNA region upstream of the initiation codon. The variant allele was found at a frequency of 4.7e-06 in 635362 control chromosomes (i.e., 3 heterozygotes; gnomAD v4). The available data on variant occurrences in the general population are insufficient to allow any conclusion about variant significance. c.-182C>T has been reported in the literature in three heterozygous individuals from one family affected with hyperferritinemia and congenital cataract (e.g., Cazzola_1997, Giansily_2001). However the variant was found to co-occur in cis with variant c.-178T>G in all three individuals. These reports therefore do not allow unequivocal conclusions about association of the variant in isolation with L-Ferritin Deficiency. One publication reports experimental evidence evaluating an impact on function, however, does not allow convincing conclusions about the variant effect as the variant was only assessed in the presence of the co-occurring c.-178T>G variant (e.g., Cazzola_1997). The following publications have been ascertained in the context of this evaluation (PMID: 11167783, 9226182). No submitters have reported clinical-significance assessments for this variant to ClinVar after 2014. Based on the evidence outlined above, the variant was classified as uncertain significance.

Literature cited by the submitters: PubMed 11167783 (cited by Labcorp Genetics (formerly Invitae), Labcorp and Women's Health and Genetics/Laboratory Corporation of America, LabCorp); PubMed 16395671 (cited by Labcorp Genetics (formerly Invitae), Labcorp); PubMed 9226182 (cited by Women's Health and Genetics/Laboratory Corporation of America, LabCorp).